The following is an entry in ClinVar:

ClinVar aggregate classification (germline): Uncertain significance (1 of 4 stars; one submission).

gnomAD v4.1: 1 of 1,607,538 alleles (0.000062%); no homozygotes.

Submission:

Labcorp Genetics (formerly Invitae), Labcorp
Classification: Uncertain significance. Last evaluated: 2022-06-01. Review status: criteria provided, single submitter. Criteria: Invitae Variant Classification Sherloc (09022015). Collection method: clinical testing. Allele origin: germline.
Comment: This sequence change replaces lysine, which is basic and polar, with asparagine, which is neutral and polar, at codon 139 of the CNGA1 protein (p.Lys139Asn). This variant is not present in population databases (gnomAD no frequency). This variant has not been reported in the literature in individuals affected with CNGA1-related conditions. Algorithms developed to predict the effect of missense changes on protein structure and function output the following: SIFT: "Tolerated"; PolyPhen-2: "Benign"; Align-GVGD: "Class C0". The asparagine amino acid residue is found in multiple mammalian species, which suggests that this missense change does not adversely affect protein function. In summary, the available evidence is currently insufficient to determine the role of this variant in disease. Therefore, it has been classified as a Variant of Uncertain Significance.

NM_001379270.1(CNGA1):c.405G>C (p.Lys135Asn)

Genes: CNGA1 (cyclic nucleotide gated channel subunit alpha 1; minus strand), LOC101927157 (uncharacterized LOC101927157; plus strand). Cytogenetic location: 4p12.
Variant type: single nucleotide variant.
Coding change: c.405G>C on transcript NM_001379270.1 (MANE Select); coding-DNA position 405, G replaced by C.
Protein change: p.Lys135Asn; replaces lysine 135 with asparagine.
Molecular consequence: missense variant.
Genome position (GRCh38, 1-based): chr4:47,943,213, C>G on the plus strand (G>C on the coding strand, the complement: CNGA1 is on the minus strand). VCF-style: chr4-47943213-C-G. GRCh37 (hg19) VCF-style: chr4-47945230-C-G.
Other names: c.405G>C, p.Lys135Asn (NM_000087.5, NM_001142564.2); c.417G>C, p.Lys139Asn (NM_001375386.1); short protein forms K135N, K139N.
Identifiers: ClinVar variation 1955059 (VCV001955059.5), dbSNP rs2475782290, ClinGen allele CA356832138.
Genomic context (GRCh38, chr4:47,943,213, plus strand): 5'-CTATTTCAATGCCACTAAAAGTGCTTACTCTTCTTTCTTATCTTTGCTTTTCTCCTCTTT[C>G]TTTTTCTTCTCTTTGTCCTTTTTCTTCTTTTTCTTCTCTGGGTCGTTTTTATTTTCGTTT-3'
Protein context (NP_001366199.1, residues 125-145): KKKKKDKEKK[Lys135Asn]KEEKSKDKKE